The following is an entry in ClinVar:

ClinVar aggregate classification (germline): Uncertain significance (1 of 4 stars; one submission).

Conditions:
Bloom syndrome (BLM). Also called: Bloom-Torre-Machacek syndrome. Identifiers: Orphanet 125, MedGen C0005859, MONDO:0008876, OMIM 210900.

Submission:

Labcorp Genetics (formerly Invitae), Labcorp
Classification: Uncertain significance for Bloom syndrome. Last evaluated: 2021-11-29. Review status: criteria provided, single submitter. Criteria: Invitae Variant Classification Sherloc (09022015). Collection method: clinical testing. Allele origin: germline.
Comment: In summary, the available evidence is currently insufficient to determine the role of this variant in disease. Therefore, it has been classified as a Variant of Uncertain Significance. This sequence change replaces phenylalanine, which is neutral and non-polar, with leucine, which is neutral and non-polar, at codon 71 of the BLM protein (p.Phe71Leu). This variant is not present in population databases (gnomAD no frequency). This variant has not been reported in the literature in individuals affected with BLM-related conditions. Algorithms developed to predict the effect of missense changes on protein structure and function output the following: SIFT: "Tolerated"; PolyPhen-2: "Benign"; Align-GVGD: "Class C0". The leucine amino acid residue is found in multiple mammalian species, which suggests that this missense change does not adversely affect protein function.

NM_000057.4(BLM):c.211T>C (p.Phe71Leu)

Gene: BLM (BLM RecQ like helicase; plus strand). Cytogenetic location: 15q26.1.
Variant type: single nucleotide variant.
Coding change: c.211T>C on transcript NM_000057.4 (MANE Select); coding-DNA position 211, T replaced by C.
Protein change: p.Phe71Leu; replaces phenylalanine 71 with leucine.
Molecular consequence: missense variant. On other transcripts: 5 prime UTR variant (1).
Genome position (GRCh38, 1-based): chr15:90,749,479, T>C. VCF-style: chr15-90749479-T-C. GRCh37 (hg19) VCF-style: chr15-91292709-T-C.
Other names: c.211T>C, p.Phe71Leu (NM_001287246.2, NM_001287247.2); c.-1081T>C (NM_001287248.2); short protein forms F71L.
Identifiers: ClinVar variation 1488464 (VCV001488464.6), dbSNP rs2151146855, ClinGen allele CA393839763.